The following is an entry in ClinVar:

ClinVar aggregate classification (germline): Uncertain significance (1 of 4 stars; one submission).

Allele frequency attached by ClinVar (database versions not stated): ExAC 0.00001; gnomAD 0.00001; gnomAD exomes 0.00002; TOPMed 0.00002; ESP Exome Variant Server 0.00008.
gnomAD v4.1: 37 of 1,613,998 alleles (0.0023%); highest among the groups gnomAD compares: Non-Finnish European, 0.0031%; no homozygotes.

Submission:

Labcorp Genetics (formerly Invitae), Labcorp
Classification: Uncertain significance. Last evaluated: 2022-03-12. Review status: criteria provided, single submitter. Criteria: Invitae Variant Classification Sherloc (09022015). Collection method: clinical testing. Allele origin: germline.
Comment: In summary, the available evidence is currently insufficient to determine the role of this variant in disease. Therefore, it has been classified as a Variant of Uncertain Significance. Algorithms developed to predict the effect of missense changes on protein structure and function are either unavailable or do not agree on the potential impact of this missense change (SIFT: "Deleterious"; PolyPhen-2: "Probably Damaging"; Align-GVGD: "Class C0"). This variant has not been reported in the literature in individuals affected with HMCN1-related conditions. This variant is present in population databases (rs139625650, gnomAD 0.0009%). This sequence change replaces serine, which is neutral and polar, with proline, which is neutral and non-polar, at codon 4130 of the HMCN1 protein (p.Ser4130Pro).

NM_031935.3(HMCN1):c.12388T>C (p.Ser4130Pro)

Gene: HMCN1 (hemicentin 1; plus strand). Cytogenetic location: 1q31.1.
Variant type: single nucleotide variant.
Coding change: c.12388T>C on transcript NM_031935.3 (MANE Select); coding-DNA position 12388, T replaced by C.
Protein change: p.Ser4130Pro; replaces serine 4130 with proline.
Molecular consequence: missense variant.
Genome position (GRCh38, 1-based): chr1:186,123,109, T>C. VCF-style: chr1-186123109-T-C. GRCh37 (hg19) VCF-style: chr1-186092241-T-C.
Other names: short protein forms S4130P.
Identifiers: ClinVar variation 1923829 (VCV001923829.5), dbSNP rs139625650, ClinGen allele CA1294350.